The following is an entry in ClinVar:

ClinVar aggregate classification (germline): Pathogenic. Review status: criteria provided, multiple submitters, no conflicts (2 of 4 stars). 4 submissions from 4 submitters: Pathogenic (2). 2 of the submissions do not count toward it. Last evaluated 2024-10-21.

Conditions:
PROC-related disorder. Also called: PROC-related condition.
Reduced protein C activity. Identifiers: MedGen C0398625, MeSH D020151, HP:0005543.
Thrombophilia due to protein C deficiency, autosomal dominant. Also called: PROC DEFICIENCY, AUTOSOMAL DOMINANT; PROTEIN C DEFICIENCY, AUTOSOMAL DOMINANT. Identifiers: Orphanet 745, MedGen C2674321, MONDO:0008316, OMIM 176860. Disease mechanism: loss of function.

Allele frequency attached by ClinVar (database versions not stated): gnomAD 0.00001; TOPMed 0.00001; gnomAD exomes 0.00002 and 0.00003; ExAC 0.00003.

Submissions (4):

Blueprint Genetics
Classification: Pathogenic for PROC-related disorders. Last evaluated: 2024-10-21. Review status: criteria provided, single submitter. Criteria: ACMG Guidelines, 2015. Collection method: clinical testing. Allele origin: germline. Affected: yes. Observed: 5 variant alleles.

Labcorp Genetics (formerly Invitae), Labcorp
Classification: Pathogenic for Thrombophilia due to protein C deficiency, autosomal dominant. Last evaluated: 2024-03-01. Review status: criteria provided, single submitter. Criteria: Invitae Variant Classification Sherloc (09022015). Collection method: clinical testing. Allele origin: germline.
Comment: This sequence change replaces threonine, which is neutral and polar, with methionine, which is neutral and non-polar, at codon 340 of the PROC protein (p.Thr340Met). This variant is present in population databases (rs766261022, gnomAD 0.006%). This missense change has been observed in individual(s) with clinical features of protein C deficiency (PMID: 7670104, 8292730, 8704244, 31254973; Invitae). In at least one individual the data is consistent with being in trans (on the opposite chromosome) from a pathogenic variant. This variant is also known as T298M. ClinVar contains an entry for this variant (Variation ID: 579309). Advanced modeling of protein sequence and biophysical properties (such as structural, functional, and spatial information, amino acid conservation, physicochemical variation, residue mobility, and thermodynamic stability) has been performed at Invitae for this missense variant, however the output from this modeling did not meet the statistical confidence thresholds required to predict the impact of this variant on PROC protein function. For these reasons, this variant has been classified as Pathogenic.

PreventionGenetics, part of Exact Sciences
Classification: Pathogenic for PROC-related condition. Last evaluated: 2024-04-11. Review status: no assertion criteria provided. Collection method: clinical testing. Allele origin: germline. Not counted in ClinVar's aggregate classification.
Comment: The PROC c.1019C>T variant is predicted to result in the amino acid substitution p.Thr340Met. This variant, previously reported as p.Thr298Met using legacy nomenclature, has been found in individuals with Protein C deficiency (Tsay et al. 1993. PubMed ID: 8292730; Douglas et al. 2010. PubMed ID: 21045961; Martos et al. 2019. PubMed ID: 31254973). Two infants with purpura fulminans have been reported with one infant being homozygous for the c.1019C>T variant and another infant having a second pathogenic variant in trans (Brenner et al. 1996. PubMed ID: 8704244; Douglas et al. 2010. PubMed ID: 21045961). This variant is reported in 0.0058% of alleles in individuals of Latino descent in gnomAD. This variant is interpreted as pathogenic.

ISTH-SSC Genomics in Thrombosis and Hemostasis, KU Leuven, Center for Molecular and Vascular Biology
Classification: Likely pathogenic for Reduced protein C activity. Review status: no assertion criteria provided. Collection method: clinical testing. Allele origin: germline. Affected: yes. Not counted in ClinVar's aggregate classification.
Comment: Submitted to GoldVariant by Bilal Jradeh from Katharine Dormandy Haemophilia and Thrombosis Centre, Royal Free Hospital, London, UK

Literature cited by the submitters: PubMed 7670104 (cited by Labcorp Genetics (formerly Invitae), Labcorp); PubMed 8292730 (cited by Labcorp Genetics (formerly Invitae), Labcorp); PubMed 8704244 (cited by Labcorp Genetics (formerly Invitae), Labcorp); PubMed 31254973 (cited by Labcorp Genetics (formerly Invitae), Labcorp).

NM_000312.4(PROC):c.1019C>T (p.Thr340Met)

Gene: PROC (protein C, inactivator of coagulation factors Va and VIIIa; plus strand). Cytogenetic location: 2q14.3.
Variant type: single nucleotide variant.
Coding change: c.1019C>T on transcript NM_000312.4 (MANE Select); coding-DNA position 1019, C replaced by T.
Protein change: p.Thr340Met; replaces threonine 340 with methionine.
Molecular consequence: missense variant.
Genome position (GRCh38, 1-based): chr2:127,428,579, C>T. VCF-style: chr2-127428579-C-T. GRCh37 (hg19) VCF-style: chr2-128186155-C-T.
Other names: c.1202C>T, p.Thr401Met (NM_001375602.1); c.1184C>T, p.Thr395Met (NM_001375603.1); c.1082C>T, p.Thr361Met (NM_001375604.1); c.1121C>T, p.Thr374Met (NM_001375605.1); c.1187C>T, p.Thr396Met (NM_001375606.1); c.1205C>T, p.Thr402Met (NM_001375607.1); c.962C>T, p.Thr321Met (NM_001375608.1); c.995C>T, p.Thr332Met (NM_001375609.1); and 2 more; short protein forms T340M, T321M, T332M, T338M, T361M, T374M, T395M, T396M.
Identifiers: ClinVar variation 579309 (VCV000579309.10), dbSNP rs766261022, ClinGen allele CA1859504.
Genomic context (GRCh38, chr2:127,428,579, plus strand): 5'-TCCCGGACAGCGGCCTTGCAGAGCGCGAGCTCAATCAGGCCGGCCAGGAGACCCTCGTGA[C>T]GGGCTGGGGCTACCACAGCAGCCGAGAGAAGGAGGCCAAGAGAAACCGCACCTTCGTCCT-3'
Protein context (NP_000303.1, residues 330-350): LNQAGQETLV[Thr340Met]GWGYHSSREK